The following is an entry in ClinVar:

ClinVar aggregate classification (germline): Uncertain significance. Review status: criteria provided, multiple submitters, no conflicts (2 of 4 stars). 3 submissions from 3 submitters: Uncertain significance (3). Last evaluated 2025-02-20.

Conditions:
Glycogen storage disease IXd (GSD9D). Also called: GSD IXd; Muscle Phosphorylase Kinase Deficiency. Identifiers: Orphanet 715, MedGen C1845151, MONDO:0010362, OMIM 300559.
Inborn genetic diseases. Identifiers: MedGen C0950123, MeSH D030342.

Allele frequency attached by ClinVar (database versions not stated): ExAC 0.00001; gnomAD exomes 0.00001 and 0.00005; TOPMed 0.00003; gnomAD 0.00004.
gnomAD v4.1: 60 of 1,195,713 alleles (0.005%); highest among the groups gnomAD compares: Non-Finnish European, 0.0067%; no homozygotes.

Submissions (3):

Labcorp Genetics (formerly Invitae), Labcorp
Classification: Uncertain significance for Glycogen storage disease IXd. Last evaluated: 2025-02-20. Review status: criteria provided, single submitter. Criteria: Invitae Variant Classification Sherloc (09022015). Collection method: clinical testing. Allele origin: germline.
Comment: This sequence change replaces glutamic acid, which is acidic and polar, with glycine, which is neutral and non-polar, at codon 356 of the PHKA1 protein (p.Glu356Gly). This variant is present in population databases (rs782036622, gnomAD 0.003%). This variant has not been reported in the literature in individuals affected with PHKA1-related conditions. ClinVar contains an entry for this variant (Variation ID: 913676). Invitae Evidence Modeling of protein sequence and biophysical properties (such as structural, functional, and spatial information, amino acid conservation, physicochemical variation, residue mobility, and thermodynamic stability) has been performed for this missense variant. However, the output from this modeling did not meet the statistical confidence thresholds required to predict the impact of this variant on PHKA1 protein function. In summary, the available evidence is currently insufficient to determine the role of this variant in disease. Therefore, it has been classified as a Variant of Uncertain Significance.

Ambry Genetics
Classification: Uncertain significance for Inborn genetic diseases. Last evaluated: 2024-05-02. Review status: criteria provided, single submitter. Criteria: Ambry Variant Classification Scheme 2023. Collection method: clinical testing. Allele origin: germline.

Illumina Laboratory Services, Illumina
Classification: Uncertain significance for Glycogen storage disease IXd. Last evaluated: 2018-01-13. Review status: criteria provided, single submitter. Criteria: ICSL Variant Classification Criteria 13 December 2019. Collection method: clinical testing. Allele origin: germline.

NM_002637.4(PHKA1):c.1067A>G (p.Glu356Gly)

Gene: PHKA1 (phosphorylase kinase regulatory subunit alpha 1; minus strand). Cytogenetic location: Xq13.1.
Variant type: single nucleotide variant.
Coding change: c.1067A>G on transcript NM_002637.4 (MANE Select); coding-DNA position 1067, A replaced by G.
Protein change: p.Glu356Gly; replaces glutamic acid 356 with glycine.
Molecular consequence: missense variant.
Genome position (GRCh38, 1-based): chrX:72,653,505, T>C on the plus strand (A>G on the coding strand, the complement: PHKA1 is on the minus strand). VCF-style: chrX-72653505-T-C. GRCh37 (hg19) VCF-style: chrX-71873355-T-C.
Other names: c.1067A>G, p.Glu356Gly (NM_001122670.2, NM_001172436.2); short protein forms E356G.
Identifiers: ClinVar variation 913676 (VCV000913676.7), dbSNP rs782036622, ClinGen allele CA10450936.
Genomic context (GRCh38, chrX:72,653,505, plus strand): 5'-GGAACACTGTACAGCTCTGGCAGAAGTGGGACTCCATTTTTGCCCTTGATGAGGACTGCT[T>C]CAAGAGCCTCTTTATATTCTTGAACCTGCAGATAAAAGAAAGGCAGGAAAAAAAGACTTA-3'
Protein context (NP_002628.2, residues 346-366): EQVQEYKEAL[Glu356Gly]AVLIKGKNGV